The following is an entry in ClinVar:

ClinVar aggregate classification (germline): Conflicting classifications of pathogenicity. Review status: criteria provided, conflicting classifications (1 of 4 stars). 4 submissions from 4 submitters: Uncertain significance (3); Likely benign (1). Last evaluated 2025-12-30.

Conditions:
Polycystic kidney disease 4 (PKD4). Also called: Autosomal Recessive Polycystic Kidney Disease – PKHD1; POLYCYSTIC KIDNEY DISEASE 4 WITH OR WITHOUT POLYCYSTIC LIVER DISEASE; POLYCYSTIC KIDNEY AND HEPATIC DISEASE 1; POLYCYSTIC KIDNEY DISEASE, INFANTILE, TYPE I; PKD3. Identifiers: MedGen C4540575, MONDO:0033004, OMIM 263200.
Autosomal recessive polycystic kidney disease (ARPKD). Also called: AR polycystic kidney disease. Identifiers: Orphanet 731, Orphanet 8378, MedGen C0085548, MeSH D017044, MONDO:0009889.

Allele frequency attached by ClinVar (database versions not stated): gnomAD 0.00001; gnomAD exomes 0.00002 and 0.00010; TOPMed 0.00003; ExAC 0.00011.
gnomAD v4.1: 26 of 1,546,894 alleles (0.0017%); highest among the groups gnomAD compares: Admixed American, 0.04%; no homozygotes.

Submissions (4):

Labcorp Genetics (formerly Invitae), Labcorp
Classification: Likely benign for Autosomal recessive polycystic kidney disease. Last evaluated: 2025-12-30. Review status: criteria provided, single submitter. Criteria: Invitae Variant Classification Sherloc (09022015). Collection method: clinical testing. Allele origin: germline.

Women's Health and Genetics/Laboratory Corporation of America, LabCorp
Classification: Uncertain significance. Last evaluated: 2024-10-02. Review status: criteria provided, single submitter. Criteria: LabCorp Variant Classification Summary - May 2015. Collection method: clinical testing. Allele origin: germline.
Comment: Variant summary: PKHD1 c.868G>A (p.Val290Ile) results in a conservative amino acid change located in the IPT domain (IPR002909) of the encoded protein sequence. Four of five in-silico tools predict a damaging effect of the variant on protein function. The variant allele was found at a frequency of 9.6e-05 in 251244 control chromosomes. This frequency is not significantly higher than estimated for a pathogenic variant in PKHD1 causing Polycystic Kidney And Hepatic Disease (9.6e-05 vs 0.0071), allowing no conclusion about variant significance. To our knowledge, no occurrence of c.868G>A in individuals affected with Polycystic Kidney And Hepatic Disease and no experimental evidence demonstrating its impact on protein function have been reported. ClinVar contains an entry for this variant (Variation ID: 595457). Based on the evidence outlined above, the variant was classified as uncertain significance.

Fulgent Genetics
Classification: Uncertain significance for Polycystic kidney disease 4. Last evaluated: 2024-03-18. Review status: criteria provided, single submitter. Criteria: ACMG Guidelines, 2015. Collection method: clinical testing. Allele origin: germline.

Eurofins Ntd Llc (ga)
Classification: Uncertain significance. Last evaluated: 2017-12-21. Review status: criteria provided, single submitter. Criteria: EGL Classification Definitions 2015. Collection method: clinical testing. Allele origin: germline. Observed: 1 variant allele, 1 heterozygote.

NM_138694.4(PKHD1):c.868G>A (p.Val290Ile)

Gene: PKHD1 (PKHD1 ciliary IPT domain containing fibrocystin/polyductin; minus strand). Cytogenetic location: 6p12.2.
Variant type: single nucleotide variant.
Coding change: c.868G>A on transcript NM_138694.4 (MANE Select); coding-DNA position 868, G replaced by A.
Protein change: p.Val290Ile; replaces valine 290 with isoleucine.
Molecular consequence: missense variant.
Genome position (GRCh38, 1-based): chr6:52,065,988, C>T on the plus strand (G>A on the coding strand, the complement: PKHD1 is on the minus strand). VCF-style: chr6-52065988-C-T. GRCh37 (hg19) VCF-style: chr6-51930786-C-T.
Other names: c.868G>A, p.Val290Ile (NM_170724.3); short protein forms V290I.
Identifiers: ClinVar variation 595457 (VCV000595457.14), dbSNP rs773123823, ClinGen allele CA3853737.